The following is an entry in ClinVar:

NM_024675.4(PALB2):c.1280C>G (p.Ala427Gly)

Gene: PALB2 (partner and localizer of BRCA2; minus strand). Cytogenetic location: 16p12.2.
Variant type: single nucleotide variant.
Coding change: c.1280C>G on transcript NM_024675.4 (MANE Select); coding-DNA position 1280, C replaced by G.
Protein change: p.Ala427Gly; replaces alanine 427 with glycine.
Molecular consequence: missense variant.
Genome position (GRCh38, 1-based): chr16:23,635,266, G>C on the plus strand (C>G on the coding strand, the complement: PALB2 is on the minus strand). VCF-style: chr16-23635266-G-C. GRCh37 (hg19) VCF-style: chr16-23646587-G-C.
Other names: c.1220C>G, p.Ala407Gly (NM_001407296.1); c.1280C>G, p.Ala427Gly (NM_001407297.1, NM_001407298.1, NM_001407299.1 and 3 more transcripts); c.395C>G, p.Ala132Gly (NM_001407304.1, NM_001407305.1, NM_001407306.1 and 5 more transcripts); short protein forms A427G, A132G, A407G.
Identifiers: ClinVar variation 1767796 (VCV001767796.2), dbSNP rs2142420597, ClinGen allele CA395132587.
Genomic context (GRCh38, chr16:23,635,266, plus strand): 5'-GCATCCTTATTTTTATTTTTAAACCCTTTTTTCTTGACATCCAAATGACTCTGAATGACA[G>C]CCTCCACGGCTACTTTCCTCTGGCAATTGGACATGCTTCGTGTTGTTCTAACATAATATT-3'
Protein context (NP_078951.2, residues 417-437): SNCQRKVAVE[Ala427Gly]VIQSHLDVKK

ClinVar aggregate classification (germline): Uncertain significance (1 of 4 stars; one submission).

Conditions:
Hereditary cancer-predisposing syndrome. Also called: Hereditary Cancer Syndrome; Hereditary neoplastic syndrome; Neoplastic Syndromes, Hereditary; Tumor predisposition. Identifiers: Orphanet 140162, MedGen C0027672, MeSH D009386, MONDO:0015356.

Submission:

Ambry Genetics
Classification: Uncertain significance for Hereditary cancer-predisposing syndrome. Last evaluated: 2021-03-29. Review status: criteria provided, single submitter. Criteria: Ambry Variant Classification Scheme 2023. Collection method: clinical testing. Allele origin: germline.
Comment: The p.A427G variant (also known as c.1280C>G), located in coding exon 4 of the PALB2 gene, results from a C to G substitution at nucleotide position 1280. The alanine at codon 427 is replaced by glycine, an amino acid with similar properties. This amino acid position is highly conserved in available vertebrate species. In addition, this alteration is predicted to be tolerated by in silico analysis. Since supporting evidence is limited at this time, the clinical significance of this alteration remains unclear.